The following is an entry in ClinVar:

NM_000340.2(SLC2A2):c.206C>A (p.Thr69Lys)

Gene: SLC2A2 (solute carrier family 2 member 2; minus strand). Cytogenetic location: 3q26.2.
Variant type: single nucleotide variant.
Coding change: c.206C>A on transcript NM_000340.2 (MANE Select); coding-DNA position 206, C replaced by A.
Protein change: p.Thr69Lys; replaces threonine 69 with lysine.
Molecular consequence: missense variant. On other transcripts: 5 prime UTR variant (1), intron variant (1).
Genome position (GRCh38, 1-based): chr3:171,014,634, G>T on the plus strand (C>A on the coding strand, the complement: SLC2A2 is on the minus strand). VCF-style: chr3-171014634-G-T. GRCh37 (hg19) VCF-style: chr3-170732423-G-T.
Other names: c.-189C>A (NM_001278659.2); c.14+3897C>A (NM_001278658.2); short protein forms T69K.
Identifiers: ClinVar variation 344169 (VCV000344169.7), dbSNP rs779977931, ClinGen allele CA2702740.

ClinVar aggregate classification (germline): Uncertain significance. Review status: criteria provided, multiple submitters, no conflicts (2 of 4 stars). 2 submissions from 2 submitters: Uncertain significance (2). Last evaluated 2025-05-05.

Conditions:
Fanconi-Bickel syndrome (FBS). Also called: HEPATIC GLYCOGENOSIS WITH FANCONI NEPHROPATHY; HEPATORENAL GLYCOGENOSIS WITH RENAL FANCONI SYNDROME; PSEUDO-PHLORIZIN DIABETES; Glycogen storage disease due to GLUT2 deficiency; FANCONI SYNDROME WITH INTESTINAL MALABSORPTION AND GALACTOSE INTOLERANCE; HEPATIC GLYCOGENOSIS WITH AMINO ACIDURIA AND GLUCOSURIA. Identifiers: Orphanet 2088, MedGen C3495427, MONDO:0009216, OMIM 227810.

Allele frequency attached by ClinVar (database versions not stated): gnomAD exomes 0.00003; TOPMed 0.00003; ExAC 0.00004; gnomAD 0.00004.
gnomAD v4.1: 21 of 1,613,968 alleles (0.0013%); highest among the groups gnomAD compares: Admixed American, 0.015%; no homozygotes.

Submissions (2):

Labcorp Genetics (formerly Invitae), Labcorp
Classification: Uncertain significance for Fanconi-Bickel syndrome. Last evaluated: 2025-05-05. Review status: criteria provided, single submitter. Criteria: Invitae Variant Classification Sherloc (09022015). Collection method: clinical testing. Allele origin: germline.
Comment: This sequence change replaces threonine, which is neutral and polar, with lysine, which is basic and polar, at codon 69 of the SLC2A2 protein (p.Thr69Lys). This variant is present in population databases (rs779977931, gnomAD 0.02%). This variant has not been reported in the literature in individuals affected with SLC2A2-related conditions. ClinVar contains an entry for this variant (Variation ID: 344169). Invitae Evidence Modeling of protein sequence and biophysical properties (such as structural, functional, and spatial information, amino acid conservation, physicochemical variation, residue mobility, and thermodynamic stability) indicates that this missense variant is not expected to disrupt SLC2A2 protein function with a negative predictive value of 95%. In summary, the available evidence is currently insufficient to determine the role of this variant in disease. Therefore, it has been classified as a Variant of Uncertain Significance.

Illumina Laboratory Services, Illumina
Classification: Uncertain significance for Fanconi-Bickel syndrome. Last evaluated: 2018-01-12. Review status: criteria provided, single submitter. Criteria: ICSL Variant Classification Criteria 13 December 2019. Collection method: clinical testing. Allele origin: germline.